The following is an entry in ClinVar:

ClinVar aggregate classification (germline): Likely benign (0 of 4 stars; one submission).

Conditions:
NAGPA-related disorder. Also called: NAGPA-related condition.

Allele frequency attached by ClinVar (database versions not stated): TOPMed 0.00002; gnomAD 0.00010; gnomAD exomes 0.00017; ExAC 0.00070; 1000 Genomes Project 0.00100.

Submission:

PreventionGenetics, part of Exact Sciences
Classification: Likely benign for NAGPA-related condition. Last evaluated: 2022-03-21. Review status: no assertion criteria provided. Collection method: clinical testing. Allele origin: germline.
Comment: This variant is classified as likely benign based on ACMG/AMP sequence variant interpretation guidelines (Richards et al. 2015 PMID: 25741868, with internal and published modifications).

NM_016256.4(NAGPA):c.139C>T (p.Leu47Phe)

Gene: NAGPA (N-acetylglucosamine-1-phosphodiester alpha-N-acetylglucosaminidase; minus strand). Cytogenetic location: 16p13.3.
Variant type: single nucleotide variant.
Coding change: c.139C>T on transcript NM_016256.4 (MANE Select); coding-DNA position 139, C replaced by T.
Protein change: p.Leu47Phe; replaces leucine 47 with phenylalanine.
Molecular consequence: missense variant.
Genome position (GRCh38, 1-based): chr16:5,033,676, G>A on the plus strand (C>T on the coding strand, the complement: NAGPA is on the minus strand). VCF-style: chr16-5033676-G-A. GRCh37 (hg19) VCF-style: chr16-5083677-G-A.
Other names: short protein forms L47F.
Identifiers: ClinVar variation 3044542 (VCV003044542.2), dbSNP rs371054576, ClinGen allele CA7888945.
Genomic context (GRCh38, chr16:5,033,676, plus strand): 5'-GCGGAGGCCAACTCTCGTGCTCGCGGTTGCCGGCGCGCACCCGTGTGCAGTCCCGGGGGA[G>A]GCGCGCGCGCGCGCGTGGATAGGGCAGTAGCAAGTCGTCGTCGCGGGAGGCCCTGCGGGG-3'
Protein context (NP_057340.2, residues 37-57): LLPYPRARAR[Leu47Phe]PRDCTRVRAG